The following is an entry in ClinVar:

NM_024675.4(PALB2):c.1833C>T (p.Asp611=)

Gene: PALB2 (partner and localizer of BRCA2; minus strand). Cytogenetic location: 16p12.2.
Variant type: single nucleotide variant.
Coding change: c.1833C>T on transcript NM_024675.4 (MANE Select); coding-DNA position 1833, C replaced by T.
Protein change: p.Asp611=; no amino-acid change (aspartic acid 611 retained).
Molecular consequence: synonymous variant.
Genome position (GRCh38, 1-based): chr16:23,630,321, G>A on the plus strand (C>T on the coding strand, the complement: PALB2 is on the minus strand). VCF-style: chr16-23630321-G-A. GRCh37 (hg19) VCF-style: chr16-23641642-G-A.
Identifiers: ClinVar variation 830146 (VCV000830146.11), dbSNP rs779184831, ClinGen allele CA494461242.
Genomic context (GRCh38, chr16:23,630,321, plus strand): 5'-TGAGCAGGACTTCACTTTTTCAAGCTTAAGAGGTCCAAAGTCTTCATCAGGTAACTGAAA[G>A]TCTGTGATACTGAGAAAAGACAGTAGTTGCTTTAAACTCAGCATTCCATCCCTATGAAAT-3'
Protein context (NP_078951.2, residues 601-621): KQLLSFLSIT[Asp611=]FQLPDEDFGP

ClinVar aggregate classification (germline): Likely benign. Review status: criteria provided, multiple submitters, no conflicts (2 of 4 stars). 3 submissions from 3 submitters: Likely benign (2). 1 of the submissions does not count toward it. Last evaluated 2026-02-28.

Conditions:
Familial cancer of breast. Also called: Hereditary breast cancer; BREAST CANCER, FAMILIAL; hereditary breast carcinoma. Identifiers: Orphanet 227535, MedGen C0346153, MONDO:0016419, OMIM 114480. Disease mechanism: loss of function.
Hereditary cancer-predisposing syndrome. Also called: Hereditary Cancer Syndrome; Tumor predisposition; Neoplastic Syndromes, Hereditary; Hereditary neoplastic syndrome. Identifiers: Orphanet 140162, MedGen C0027672, MeSH D009386, MONDO:0015356.

Submissions (3):

Ambry Genetics
Classification: Likely benign for Hereditary cancer-predisposing syndrome. Last evaluated: 2026-02-28. Review status: criteria provided, single submitter. Criteria: Ambry Variant Classification Scheme 2023. Collection method: clinical testing. Allele origin: germline.

Labcorp Genetics (formerly Invitae), Labcorp
Classification: Likely benign for Familial cancer of breast. Last evaluated: 2019-04-26. Review status: criteria provided, single submitter. Criteria: Invitae Variant Classification Sherloc (09022015). Collection method: clinical testing. Allele origin: germline.

Leiden Open Variation Database
Classification: Uncertain significance. Last evaluated: 2018-10-10. Review status: no assertion criteria provided. Collection method: curation. Allele origin: germline. Affected: yes. Not counted in ClinVar's aggregate classification.
Comment: Curators: Marc Tischkowitz, Arleen D. Auerbach. Submitter to LOVD: Yukihide Momozawa.

Literature cited by the submitters: PubMed 30287823 (cited by Leiden Open Variation Database).